The following is an entry in ClinVar:

ClinVar aggregate classification (germline): Uncertain significance (1 of 4 stars; one submission).

Conditions:
Inborn genetic diseases. Identifiers: MedGen C0950123, MeSH D030342.

Submission:

Ambry Genetics
Classification: Uncertain significance for Inborn genetic diseases. Last evaluated: 2025-10-29. Review status: criteria provided, single submitter. Criteria: Ambry Variant Classification Scheme 2023. Collection method: clinical testing. Allele origin: germline.
Comment: The p.Q1597R variant (also known as c.4790A>G), located in coding exon 20 of the FANCM gene, results from an A to G substitution at nucleotide position 4790. The glutamine at codon 1597 is replaced by arginine, an amino acid with highly similar properties. This amino acid position is conserved. In addition, the in silico prediction for this alteration is inconclusive. Based on the available evidence, the clinical significance of this variant remains unclear.

NM_020937.4(FANCM):c.4790A>G (p.Gln1597Arg)

Gene: FANCM (FA complementation group M; plus strand). Cytogenetic location: 14q21.2.
Variant type: single nucleotide variant.
Coding change: c.4790A>G on transcript NM_020937.4 (MANE Select); coding-DNA position 4790, A replaced by G.
Protein change: p.Gln1597Arg; replaces glutamine 1597 with arginine.
Molecular consequence: missense variant.
Genome position (GRCh38, 1-based): chr14:45,188,812, A>G. VCF-style: chr14-45188812-A-G. GRCh37 (hg19) VCF-style: chr14-45658015-A-G.
Other names: c.4712A>G, p.Gln1571Arg (NM_001308133.2); short protein forms Q1571R, Q1597R.
Identifiers: ClinVar variation 4619541 (VCV004619541.1).